The following is an entry in ClinVar:

ClinVar aggregate classification (germline): Uncertain significance. Review status: criteria provided, multiple submitters, no conflicts (2 of 4 stars). 2 submissions from 2 submitters: Uncertain significance (2). Last evaluated 2026-05-10.

Conditions:
TMEM67-related disorder. Also called: TMEM67-related condition; TMEM67-related disorders. Identifiers: MedGen CN239423.
Meckel-Gruber syndrome. Also called: DYSENCEPHALIA SPLANCHNOCYSTICA; GRUBER SYNDROME; Dysencephalia splachnocystica. Identifiers: Orphanet 564, MedGen C0265215, MONDO:0018921.
Joubert syndrome. Also called: JOUBERT-BOLTSHAUSER SYNDROME; Familial aplasia of the vermis. Identifiers: Orphanet 475, MedGen C5979921, MONDO:0018772.

Allele frequency attached by ClinVar (database versions not stated): gnomAD exomes below 0.00001; gnomAD 0.00003 and 0.00004; TOPMed 0.00003.
gnomAD v4.1: 6 of 1,613,042 alleles (0.00037%); highest among the groups gnomAD compares: African/African-American, 0.008%; no homozygotes.

Submissions (2):

PreventionGenetics, part of Exact Sciences
Classification: Uncertain significance for TMEM67-related condition. Last evaluated: 2026-05-10. Review status: criteria provided, single submitter. Criteria: ACMG Guidelines, 2015. Collection method: clinical testing. Allele origin: germline.
Comment: The TMEM67 c.599G>A variant is predicted to result in the amino acid substitution p.Ser200Asn. To our knowledge, this variant has not been reported in the literature. This variant is reported in 0.011% of alleles in individuals of African descent in gnomAD. At this time, the clinical significance of this variant is uncertain due to the absence of conclusive functional and genetic evidence.

Labcorp Genetics (formerly Invitae), Labcorp
Classification: Uncertain significance for Joubert syndrome; Meckel-Gruber syndrome. Last evaluated: 2021-08-14. Review status: criteria provided, single submitter. Criteria: Invitae Variant Classification Sherloc (09022015). Collection method: clinical testing. Allele origin: germline.
Comment: This sequence change replaces serine with asparagine at codon 200 of the TMEM67 protein (p.Ser200Asn). The serine residue is weakly conserved and there is a small physicochemical difference between serine and asparagine. This variant is not present in population databases (ExAC no frequency). This variant has not been reported in the literature in individuals affected with TMEM67-related conditions. Advanced modeling of protein sequence and biophysical properties (such as structural, functional, and spatial information, amino acid conservation, physicochemical variation, residue mobility, and thermodynamic stability) performed at Invitae indicates that this missense variant is not expected to disrupt TMEM67 protein function. In summary, the available evidence is currently insufficient to determine the role of this variant in disease. Therefore, it has been classified as a Variant of Uncertain Significance.

NM_153704.6(TMEM67):c.599G>A (p.Ser200Asn)

Gene: TMEM67 (transmembrane protein 67; plus strand). Cytogenetic location: 8q22.1.
Variant type: single nucleotide variant.
Coding change: c.599G>A on transcript NM_153704.6 (MANE Select); coding-DNA position 599, G replaced by A.
Protein change: p.Ser200Asn; replaces serine 200 with asparagine.
Molecular consequence: missense variant. On other transcripts: non-coding transcript variant (1).
Genome position (GRCh38, 1-based): chr8:93,765,594, G>A. VCF-style: chr8-93765594-G-A. GRCh37 (hg19) VCF-style: chr8-94777822-G-A.
Other names: c.599G>A (NM_153704.5); c.356G>A, p.Ser119Asn (NM_001142301.1); short protein forms S119N, S200N.
Identifiers: ClinVar variation 1348772 (VCV001348772.6), dbSNP rs1284289042, ClinGen allele CA371687130.